The following is an entry in ClinVar:

ClinVar aggregate classification (germline): Conflicting classifications of pathogenicity. Review status: criteria provided, conflicting classifications (1 of 4 stars). 2 submissions from 2 submitters: Uncertain significance (1); Likely benign (1). Last evaluated 2025-05-18.

Conditions:
Gastrointestinal stromal tumor. Also called: Gastrointestinal stroma tumor; Gastrointestinal stromal tumor, somatic. Identifiers: Orphanet 44890, MedGen C0238198, MeSH D046152, MONDO:0011719, OMIM 606764, HP:0100723.
Hereditary cancer-predisposing syndrome. Also called: Hereditary neoplastic syndrome; Neoplastic Syndromes, Hereditary; Hereditary Cancer Syndrome; Tumor predisposition. Identifiers: Orphanet 140162, MedGen C0027672, MeSH D009386, MONDO:0015356.

Submissions (2):

Ambry Genetics
Classification: Likely benign for Hereditary cancer-predisposing syndrome. Last evaluated: 2025-05-18. Review status: criteria provided, single submitter. Criteria: Ambry Variant Classification Scheme 2023. Collection method: clinical testing. Allele origin: germline.

Labcorp Genetics (formerly Invitae), Labcorp
Classification: Uncertain significance for Gastrointestinal stromal tumor. Last evaluated: 2025-02-05. Review status: criteria provided, single submitter. Criteria: Invitae Variant Classification Sherloc (09022015). Collection method: clinical testing. Allele origin: germline.
Comment: This sequence change affects codon 374 of the PDGFRA mRNA. It is a 'silent' change, meaning that it does not change the encoded amino acid sequence of the PDGFRA protein. It affects a nucleotide within the consensus splice site. This variant is not present in population databases (gnomAD no frequency). This variant has not been reported in the literature in individuals affected with PDGFRA-related conditions. ClinVar contains an entry for this variant (Variation ID: 2059519). Algorithms developed to predict the effect of sequence changes on RNA splicing suggest that this variant is not likely to affect RNA splicing. In summary, the available evidence is currently insufficient to determine the role of this variant in disease. Therefore, it has been classified as a Variant of Uncertain Significance.

NM_006206.6(PDGFRA):c.1122G>A (p.Arg374=)

Gene: PDGFRA (platelet derived growth factor receptor alpha; plus strand). Cytogenetic location: 4q12.
Variant type: single nucleotide variant.
Coding change: c.1122G>A on transcript NM_006206.6 (MANE Select); coding-DNA position 1122, G replaced by A.
Protein change: p.Arg374=; no amino-acid change (arginine 374 retained).
Molecular consequence: synonymous variant.
Genome position (GRCh38, 1-based): chr4:54,270,633, G>A. VCF-style: chr4-54270633-G-A. GRCh37 (hg19) VCF-style: chr4-55136800-G-A.
Other names: c.1122G>A, p.Arg374= (NM_001347827.2, NM_001347829.2); c.1197G>A, p.Arg399= (NM_001347828.2); c.1161G>A, p.Arg387= (NM_001347830.2).
Identifiers: ClinVar variation 2059519 (VCV002059519.5), dbSNP rs61735622, ClinGen allele CA439286814.